The following is an entry in ClinVar:

NM_016122.3(CEP83):c.1708-2_1708-1insTC

Gene: CEP83 (centrosomal protein 83; minus strand). Cytogenetic location: 12q22.
Variant type: Insertion.
Coding change: c.1708-2_1708-1insTC on transcript NM_016122.3 (MANE Select); the canonical splice acceptor site of the intron before coding-DNA position 1708, TC inserted.
Molecular consequence: splice acceptor variant.
Genome position: GRCh38 VCF-style: chr12-94313018-C-CGA. GRCh37 (hg19) VCF-style: chr12-94706794-C-CGA.
Other names: c.1708-2_1708-1insTC (NM_001346457.2, NM_001042399.2, NM_001368038.1 and 1 more transcripts); c.1396-2_1396-1insTC (NM_001346459.2, NM_001346458.2, NM_001368040.1 and 1 more transcripts); c.1483-2_1483-1insTC (NM_001368041.1).
Identifiers: ClinVar variation 2498565 (VCV002498565.28), dbSNP rs2541088913, ClinGen allele CA2580086759.

ClinVar aggregate classification (germline): Likely pathogenic (1 of 4 stars; one submission).

Submission:

CeGaT Center for Human Genetics Tuebingen
Classification: Likely pathogenic. Last evaluated: 2023-02-01. Review status: criteria provided, single submitter. Criteria: CeGaT Center For Human Genetics Tuebingen Variant Classification Criteria Version 2. Collection method: clinical testing. Allele origin: germline. Affected: yes. Observed: 1 variant allele.
Comment: CEP83: PVS1:Strong, PM2